The following is an entry in ClinVar:

NM_000944.5(PPP3CA):c.698C>G (p.Ser233Ter)

Gene: PPP3CA (protein phosphatase 3 catalytic subunit alpha; minus strand). Cytogenetic location: 4q24.
Variant type: single nucleotide variant.
Coding change: c.698C>G on transcript NM_000944.5 (MANE Select); coding-DNA position 698, C replaced by G.
Protein change: p.Ser233Ter; replaces serine 233 with a stop codon.
Molecular consequence: nonsense.
Genome position (GRCh38, 1-based): chr4:101,093,860, G>C on the plus strand (C>G on the coding strand, the complement: PPP3CA is on the minus strand). VCF-style: chr4-101093860-G-C. GRCh37 (hg19) VCF-style: chr4-102015017-G-C.
Other names: c.698C>G, p.Ser233Ter (NM_001130691.2, NM_001130692.2); short protein forms S233*.
Identifiers: ClinVar variation 3393324 (VCV003393324.2).

ClinVar aggregate classification (germline): Uncertain significance (1 of 4 stars; one submission).

Conditions:
Developmental and epileptic encephalopathy 91. Also called: EPILEPTIC ENCEPHALOPATHY, INFANTILE OR EARLY CHILDHOOD, 1. Identifiers: MedGen C4540199, MONDO:0020630, OMIM 617711.
Arthrogryposis, cleft palate, craniosynostosis, and impaired intellectual development. Identifiers: Orphanet 565858, MedGen C4748872, MONDO:0032642, OMIM 618265.

Submission:

Institute of Human Genetics, University of Goettingen
Classification: Uncertain significance for Arthrogryposis, cleft palate, craniosynostosis, and impaired intellectual development; Developmental and epileptic encephalopathy 91. Last evaluated: 2024-10-29. Review status: criteria provided, single submitter. Criteria: ACMG Guidelines, 2015. Collection method: clinical testing. Allele origin: unknown. Inheritance: Autosomal dominant inheritance. Affected: yes. Observed: 1 heterozygote.
Comment: The variant c.698C>G (p.(Ser233*)) in exon 6 of the PPP3CA-gene is not found in the gnomAD database, it affects a highly conserved nucleotide. The variation generates a 'Nonsense' as coding effect and the reading frame is interrupted by a premature STOP codon. The variant is located in the highly conserved catalytic domain of the protein. So far, only two nonsense-variants are decribed in PPP3CA which are loacted in the regulatory domain. ACMG criteria used for classification: PVS1_str, PM2_sup.